The following is an entry in ClinVar:

ClinVar aggregate classification (germline): not provided. Review status: no classification provided (0 of 4 stars). 2 submissions from 1 submitter: not provided (2).

Conditions:
Normal pregnancy. Identifiers: MedGen C0232989.
Large for gestational age. Identifiers: MedGen C1848395, HP:0001520.

Submissions (2):

Institute of Molecular and Cell Biology, University of Tartu
No classification provided. Condition: Large for gestational age. Review status: no classification provided. Collection method: case-control. Allele origin: unknown. Affected: yes. Study: Kasak2014.
Comment: The study aimed to determine the contribution of copy number variants in the genetic etiology of normal and complicated pregnancies. The samples represented (i) maternal blood DNA drawn from healthy pregnant women during 1st or 2nd trimester and (ii) maternal and paternal blood DNA drawn at term pregnancy cases representing normal and complicated gestations (severe preeclampsia, PE; gestational diabetes, GD; small-for-gestational age newborn, SGA; large-for-gestational age newborn, LGA). We performed CNV calling based on genome-wide genotyping dataset (Illumina HumanOmniExpress-24-v1 BeadChip) by applying three algorithms, QuantiSNP, GADA (Genome Alteration Detection Algorithm) and CNstream in parallel. The acquired CNV calls were merged with HD-CNV (Hotspot Detector for Copy Number Variants) program and only the CNVs predicted by at least two programs, were considered in subsequent analysis.

Institute of Molecular and Cell Biology, University of Tartu
No classification provided. Condition: Normal pregnancy. Review status: no classification provided. Collection method: case-control. Allele origin: unknown. Affected: yes. Study: Kasak2014.
Comment: the same text as in the submission from Institute of Molecular and Cell Biology, University of Tartu above.

Literature cited by the submitters: PubMed 25666259.

NC_000011.10:g.25690753_25699159del

Gene: LINC02699 (long intergenic non-protein coding RNA 2699; plus strand). Cytogenetic location: 11p14.3.
Variant type: Deletion.
Genome position: GRCh38: chr11:25,690,753-25,699,159. GRCh37 (hg19): chr11:25,712,300-25,720,706.
Identifiers: ClinVar variation 157198 (VCV000157198.3), ClinGen allele CA212292.